The following is an entry in ClinVar:

ClinVar aggregate classification (germline): Benign. Review status: criteria provided, multiple submitters, no conflicts (2 of 4 stars). 2 submissions from 2 submitters: Benign (2). Last evaluated 2018-06-19.

Allele frequency attached by ClinVar (database versions not stated): gnomAD 0.45713 and 0.46266; TOPMed 0.47120; 1000 Genomes Project 0.52656; 1000 Genomes Project 30x 0.53107.
gnomAD v4.1: 69,426 of 152,112 alleles (46%); highest among the groups gnomAD compares: African/African-American, 71%; 17,918 homozygotes.

Submissions (2):

GeneDx
Classification: Benign. Last evaluated: 2018-06-19. Review status: criteria provided, single submitter. Criteria: GeneDx Variant Classification (06012015). Collection method: clinical testing. Allele origin: germline. Affected: yes.
Comment: This variant is considered likely benign or benign based on one or more of the following criteria: it is a conservative change, it occurs at a poorly conserved position in the protein, it is predicted to be benign by multiple in silico algorithms, and/or has population frequency not consistent with disease.

Breakthrough Genomics
Classification: Benign. Review status: criteria provided, single submitter. Criteria: ACMG Guidelines, 2015. Collection method: not provided. Allele origin: germline. Inheritance: Autosomal recessive inheritance. Affected: yes.

NM_001244008.2(KIF1A):c.1037+171A>G

Gene: KIF1A (kinesin family member 1A; minus strand). Cytogenetic location: 2q37.3.
Variant type: single nucleotide variant.
Coding change: c.1037+171A>G on transcript NM_001244008.2 (MANE Select); 171 bases into the intron after coding-DNA position 1037, A replaced by G.
Molecular consequence: intron variant.
Genome position (GRCh38, 1-based): chr2:240,774,012, T>C on the plus strand (A>G on the coding strand, the complement: KIF1A is on the minus strand). VCF-style: chr2-240774012-T-C. GRCh37 (hg19) VCF-style: chr2-241713429-T-C.
Other names: c.1037+171A>G (NM_001379653.1, NM_001379650.1, NM_001379645.1 and 20 more transcripts).
Identifiers: ClinVar variation 682831 (VCV000682831.2), dbSNP rs2288751, ClinGen allele CA11176593.
Genomic context (GRCh38, chr2:240,774,012, plus strand): 5'-GGCTGCCTGCAGCCCCAAAGCACACCCCCAAAGGCTCCATGGAGGGAATAGAACAGGGCC[T>C]ATGCAGGCCCAGGAGCCTCAGAACAGTCTCTTCCAGCCTCACAGAGTCCAGGGTATACCC-3'